The following is an entry in ClinVar:

NM_000059.4(BRCA2):c.6468_6469dup (p.Gln2157fs)

Gene: BRCA2 (BRCA2 DNA repair associated; plus strand). Cytogenetic location: 13q13.1.
Variant type: Microsatellite.
Coding change: c.6468_6469dup on transcript NM_000059.4 (MANE Select); coding-DNA positions 6468 to 6469, 2 bases duplicated (TC; older notation c.6468_6469dupTC).
Protein change: p.Gln2157fs; shifts the reading frame from glutamine 2157.
Molecular consequence: frameshift variant.
Genome position (GRCh38, 1-based): chr13:32,340,823-32,340,824, TC duplicated; duplicating any 2 consecutive bases within chr13:32,340,817-32,340,824 gives the same sequence; the c. name uses the placement nearest the transcript's 3' end. VCF-style (leftmost placement, unchanged base first): chr13-32340816-A-ATC. GRCh37 (hg19) VCF-style: chr13-32914953-A-ATC.
Other names: short protein forms Q2157fs.
Identifiers: ClinVar variation 433803 (VCV000433803.17), dbSNP rs80359596, ClinGen allele CA609453795.

ClinVar aggregate classification (germline): Pathogenic. Review status: reviewed by expert panel (3 of 4 stars). 5 submissions from 5 submitters: Pathogenic (1). 4 of the submissions do not count toward it. Last evaluated 2017-12-15.

Conditions:
Breast-ovarian cancer, familial, susceptibility to, 2 (BROVCA2). Also called: BRCA2 Hereditary Breast and Ovarian Cancer. Identifiers: Orphanet 145, MedGen C2675520, MONDO:0012933, OMIM 612555. Disease mechanism: loss of function.
Malignant tumor of breast. Also called: Malignant breast neoplasm; Cancer breast. Identifiers: MedGen C0006142, MONDO:0007254. Disease mechanism: loss of function.
Hereditary breast ovarian cancer syndrome. Also called: BRCA1- and BRCA2-Associated Hereditary Breast and Ovarian Cancer; Hereditary breast and/or ovarian cancer syndrome; Hereditary breast and ovarian cancer; Hereditary breast and ovarian cancer syndrome; Hereditary breast and ovarian cancer syndrome (HBOC); Breast and ovarian cancer. Identifiers: Orphanet 145, MedGen C0677776, MeSH D061325, MONDO:0003582. Disease mechanism: loss of function.
Hereditary cancer-predisposing syndrome. Also called: Hereditary neoplastic syndrome; Tumor predisposition; Neoplastic Syndromes, Hereditary; Hereditary Cancer Syndrome. Identifiers: Orphanet 140162, MedGen C0027672, MeSH D009386, MONDO:0015356.

Submissions (5):

Evidence-based Network for the Interpretation of Germline Mutant Alleles (ENIGMA)
Classification: Pathogenic for Breast-ovarian cancer, familial, susceptibility to, 2. Last evaluated: 2017-12-15. Review status: reviewed by expert panel. Criteria: ENIGMA BRCA1/2 Classification Criteria (2017-06-29). Collection method: curation. Allele origin: germline. Study: ENIGMA.
Comment: Variant allele predicted to encode a truncated non-functional protein.

Myriad Genetics, Inc.
Classification: Pathogenic for Breast-ovarian cancer, familial, susceptibility to, 2. Last evaluated: 2025-01-24. Review status: criteria provided, single submitter. Criteria: Myriad Autosomal Dominant, Autosomal Recessive and X-Linked Classification Criteria (2023). Collection method: clinical testing. Allele origin: unknown. Not counted in ClinVar's aggregate classification.
Comment: This variant is considered pathogenic. This variant creates a frameshift predicted to result in premature protein truncation.

Ambry Genetics
Classification: Pathogenic for Hereditary cancer-predisposing syndrome. Last evaluated: 2024-09-05. Review status: criteria provided, single submitter. Criteria: Ambry Variant Classification Scheme 2023. Collection method: clinical testing. Allele origin: germline. Not counted in ClinVar's aggregate classification.
Comment: The c.6468_6469dupTC pathogenic mutation, located in coding exon 10 of the BRCA2 gene, results from a duplication of TC at nucleotide position 6468, causing a translational frameshift with a predicted alternate stop codon (p.Q2157Lfs*12). This alteration is expected to result in loss of function by premature protein truncation or nonsense-mediated mRNA decay. As such, this alteration is interpreted as a disease-causing mutation.

Labcorp Genetics (formerly Invitae), Labcorp
Classification: Pathogenic for Hereditary breast ovarian cancer syndrome. Last evaluated: 2023-09-22. Review status: criteria provided, single submitter. Criteria: Invitae Variant Classification Sherloc (09022015). Collection method: clinical testing. Allele origin: germline. Not counted in ClinVar's aggregate classification.
Comment: For these reasons, this variant has been classified as Pathogenic. This variant has not been reported in the literature in individuals affected with BRCA2-related conditions. This variant is present in population databases (no rsID available, gnomAD 0.004%). This sequence change creates a premature translational stop signal (p.Gln2157Leufs*12) in the BRCA2 gene. It is expected to result in an absent or disrupted protein product. Loss-of-function variants in BRCA2 are known to be pathogenic (PMID: 20104584).

Department of Pathology and Laboratory Medicine, Sinai Health System
Classification: Pathogenic for Malignant tumor of breast. Review status: no assertion criteria provided. Collection method: clinical testing. Allele origin: unknown. Affected: yes. Study: The Canadian Open Genetics Repository (COGR). Not counted in ClinVar's aggregate classification.
Comment: The p.Gln2157LeufsX12 variant is predicted to cause a frameshift, which alters the protein's amino acid sequence beginning at codon 2157 and leads to a premature stop codon 12 codons downstream. This alteration is then predicted to lead to a truncated or absent protein. Loss of function of the BRCA2 gene is an established disease mechanism in familial breast cancer patients. In summary, based on the above information, this variant is classified as pathogenic.

Literature cited by the submitters: PubMed 20104584 (cited by Labcorp Genetics (formerly Invitae), Labcorp).